The following is an entry in ClinVar:

ClinVar aggregate classification (germline): Uncertain significance (1 of 4 stars; one submission).

Submission:

Labcorp Genetics (formerly Invitae), Labcorp
Classification: Uncertain significance. Last evaluated: 2025-07-22. Review status: criteria provided, single submitter. Criteria: Invitae Variant Classification Sherloc (09022015). Collection method: clinical testing. Allele origin: germline.
Comment: This variant, c.1641_1643del, results in the deletion of 1 amino acid(s) of the NLRP1 protein (p.Thr549del), but otherwise preserves the integrity of the reading frame. This variant is not present in population databases (gnomAD no frequency). This variant has not been reported in the literature in individuals affected with NLRP1-related conditions. Experimental studies and prediction algorithms are not available or were not evaluated, and the functional significance of this variant is currently unknown. In summary, the available evidence is currently insufficient to determine the role of this variant in disease. Therefore, it has been classified as a Variant of Uncertain Significance.

NM_033004.4(NLRP1):c.1638CAC[1] (p.Thr549del)

Gene: NLRP1 (NLR family pyrin domain containing 1; minus strand). Cytogenetic location: 17p13.2.
Variant type: Microsatellite.
Coding change: c.1638CAC[1] on transcript NM_033004.4 (MANE Select); one copy of the 3-base unit CAC starting at c.1638; the reference has two copies in a row; one copy, 3 bases deleted.
Protein change: p.Thr549del; deletes threonine 549.
Molecular consequence: inframe deletion.
Genome position (GRCh38, 1-based): chr17:5,559,053-5,559,055, GTG deleted on the plus strand (CAC on the coding strand, the reverse complement: NLRP1 is on the minus strand); deleting any 3 consecutive bases within chr17:5,559,053-5,559,060 gives the same sequence; the position shown is the placement nearest the transcript's 3' end. VCF-style (leftmost placement, unchanged base first): chr17-5559052-TGTG-T. GRCh37 (hg19) VCF-style: chr17-5462372-TGTG-T.
Other names: c.1638CAC[1], p.Thr549del (NM_001033053.3, NM_014922.5, NM_033006.4 and 1 more transcripts); short protein forms T549del.
Identifiers: ClinVar variation 4723769 (VCV004723769.1).
Genomic context (GRCh38, chr17:5,559,052, plus strand): 5'-GAGCTGGGGTCCCAATGGCTGAGCTTGGAGAGCCTGGGCAAGGTAATGTAGACAGAGGGT[TGTG>T]GTGGTCTTGGAAGTCAGTGTGAGTTTTTCCTTCCGCTTCATCTGCTGCATCAGGCAAGTG-3'